The following is an entry in ClinVar:

ClinVar aggregate classification (germline): Uncertain significance (1 of 4 stars; one submission).

Conditions:
Bethlem myopathy 1A. Also called: MYOPATHY, BENIGN CONGENITAL, WITH CONTRACTURES; Bethlem myopathy 1; Bethlem Muscular Dystrophy. Identifiers: Orphanet 610, MedGen CN029274, MONDO:0024530, OMIM 158810.

Submission:

Labcorp Genetics (formerly Invitae), Labcorp
Classification: Uncertain significance for Bethlem myopathy 1A. Last evaluated: 2022-05-12. Review status: criteria provided, single submitter. Criteria: Invitae Variant Classification Sherloc (09022015). Collection method: clinical testing. Allele origin: germline.
Comment: In summary, the available evidence is currently insufficient to determine the role of this variant in disease. Therefore, it has been classified as a Variant of Uncertain Significance. Advanced modeling of protein sequence and biophysical properties (such as structural, functional, and spatial information, amino acid conservation, physicochemical variation, residue mobility, and thermodynamic stability) performed at Invitae indicates that this missense variant is not expected to disrupt COL6A2 protein function. This variant has not been reported in the literature in individuals affected with COL6A2-related conditions. This variant is not present in population databases (gnomAD no frequency). This sequence change replaces serine, which is neutral and polar, with threonine, which is neutral and polar, at codon 823 of the COL6A2 protein (p.Ser823Thr).

NM_001849.4(COL6A2):c.2467T>A (p.Ser823Thr)

Gene: COL6A2 (collagen type VI alpha 2 chain; plus strand). Cytogenetic location: 21q22.3.
Variant type: single nucleotide variant.
Coding change: c.2467T>A on transcript NM_001849.4 (MANE Select); coding-DNA position 2467, T replaced by A.
Protein change: p.Ser823Thr; replaces serine 823 with threonine.
Molecular consequence: missense variant.
Genome position (GRCh38, 1-based): chr21:46,131,959, T>A. VCF-style: chr21-46131959-T-A. GRCh37 (hg19) VCF-style: chr21-47551873-T-A.
Other names: short protein forms S823T.
Identifiers: ClinVar variation 1952230 (VCV001952230.5), dbSNP rs2517029234, ClinGen allele CA410547841.